The following is an entry in ClinVar:

ClinVar aggregate classification (germline): Pathogenic (1 of 4 stars; one submission).

Conditions:
Polydactyly, postaxial, type a7. Identifiers: MedGen C4539976, MONDO:0060550, OMIM 617642.

Submission:

Victorian Clinical Genetics Services, Murdoch Childrens Research Institute
Classification: Pathogenic for Polydactyly, postaxial, type a7. Last evaluated: 2024-10-09. Review status: criteria provided, single submitter. Criteria: ACMG Guidelines, 2015. Collection method: clinical testing. Allele origin: germline. Inheritance: Autosomal recessive inheritance. Affected: yes.
Comment: Based on the classification scheme VCGS_Germline_v1.3.4, this variant is classified as Pathogenic. Following criteria are met: 0102 - Loss of function is a known mechanism of disease in this gene and is associated with postaxial polydactyly type A7 (MIM#617642). (I) 0106 - This gene is associated with autosomal recessive disease. (I) 0115 - Variants in this gene are known to have variable expressivity. Intrafamilial variability has been described (OMIM). (I) 0201 - Variant is predicted to cause nonsense-mediated decay (NMD) and loss of protein (premature termination codon is located at least 54 nucleotides upstream of the final exon-exon junction). (SP) 0251 - This variant is heterozygous. (I) 0301 - Variant is absent from gnomAD (both v2 and v3). (SP) 0702 - Other NMD-predicted variants comparable to the one identified in this case have strong previous evidence for pathogenicity. At least four NMD-predicted variants have been reported in individuals with postaxial polydactyly (ClinVar, PMIDs: 31549751, 28488682, 35599849). (SP) 0807 - This variant has no previous evidence of pathogenicity. (I) 0905 - No published segregation evidence has been identified for this variant. (I) 1007 - No published functional evidence has been identified for this variant. (I) 1201 - Heterozygous variant detected in trans with a second pathogenic heterozygous variant [NM_152558.4(IQCE):c.1540del; p.(Cys514Alafs*50)] in a recessive disease. (I) Legend: (SP) - Supporting pathogenic, (I) - Information, (SB) - Supporting benign

Literature cited by the submitters: PubMed 28488682; PubMed 31549751; PubMed 35599849.

NM_152558.5(IQCE):c.1493G>A (p.Trp498Ter)

Gene: IQCE (IQ motif containing E; plus strand). Cytogenetic location: 7p22.3.
Variant type: single nucleotide variant.
Coding change: c.1493G>A on transcript NM_152558.5 (MANE Select); coding-DNA position 1493, G replaced by A.
Protein change: p.Trp498Ter; replaces tryptophan 498 with a stop codon.
Molecular consequence: nonsense.
Genome position (GRCh38, 1-based): chr7:2,598,517, G>A. VCF-style: chr7-2598517-G-A. GRCh37 (hg19) VCF-style: chr7-2638151-G-A.
Other names: c.1493G>A, p.Trp498Ter (NM_001287499.2); c.1445G>A, p.Trp482Ter (NM_001287500.2, NM_001410865.1); c.1298G>A, p.Trp433Ter (NM_001287501.2, NM_001287502.2); short protein forms W433*, W482*, W498*.
Identifiers: ClinVar variation 3377151 (VCV003377151.1).
Genomic context (GRCh38, chr7:2,598,517, plus strand): 5'-TCCTGCAGGCCCAAGAGCTCCCAGCTCCCACTCCCAGCAGCAGGCACTGCGAGCAAGACT[G>A]GCCGCCGGATTCCAGCGAGGAGGGGCTCCCGCGGCCCCGCTCCCCCTGCTCTGATGGGAG-3'